The following is an entry in ClinVar:

NM_001165963.4(SCN1A):c.777C>A (p.Ser259Arg)

Gene: SCN1A (sodium voltage-gated channel alpha subunit 1; minus strand). Cytogenetic location: 2q24.3.
Variant type: single nucleotide variant.
Coding change: c.777C>A on transcript NM_001165963.4 (MANE Select); coding-DNA position 777, C replaced by A.
Protein change: p.Ser259Arg; replaces serine 259 with arginine.
Molecular consequence: missense variant. On other transcripts: 5 prime UTR variant (1), non-coding transcript variant (1).
Genome position (GRCh38, 1-based): chr2:166,051,906, G>T on the plus strand (C>A on the coding strand, the complement: SCN1A is on the minus strand). VCF-style: chr2-166051906-G-T. GRCh37 (hg19) VCF-style: chr2-166908416-G-T.
Other names: c.777C>A, p.Ser259Arg (NM_001165964.3, NM_001202435.3, NM_001353948.2 and 10 more transcripts); c.-1649C>A (NM_001353961.2); short protein forms S259R.
Identifiers: ClinVar variation 68673 (VCV000068673.5), dbSNP rs121918735, ClinGen allele CA285258.
Genomic context (GRCh38, chr2:166,051,906, plus strand): 5'-TTGTATACATTTATTCCTCAGGTTGCCCATGAACAGCTGCAGCCCAATTAGAGCAAATAC[G>T]CTCAGACAGAACACAGTCAGGATCATTACATCTGAGAGCTTCTTCACAGACTGGATCAGG-3'
Protein context (NP_001159435.1, residues 249-269): DVMILTVFCL[Ser259Arg]VFALIGLQLF

ClinVar aggregate classification (germline): Pathogenic/Likely pathogenic. Review status: criteria provided, multiple submitters, no conflicts (2 of 4 stars). 5 submissions from 5 submitters: Pathogenic (1); Likely pathogenic (1). 3 of the submissions do not count toward it. Last evaluated 2022-06-10.

Conditions:
Severe myoclonic epilepsy in infancy (DRVT). Also called: Epileptic encephalopathy, early infantile, 6 (Dravet syndrome); Dravet syndrome; SEVERE MYOCLONIC EPILEPSY OF INFANCY; DEVELOPMENTAL AND EPILEPTIC ENCEPHALOPATHY 6A; Severe Myoclonic Epilepsy in Infancy (SMEI). Identifiers: Orphanet 33069, MedGen C0751122, MONDO:0100135, OMIM 607208.
Seizure. Also called: Seizures. Identifiers: MedGen C0036572, HP:0001250.

Submissions (5):

Dasa
Classification: Likely pathogenic for Severe myoclonic epilepsy in infancy. Last evaluated: 2022-06-10. Review status: criteria provided, single submitter. Criteria: ACMG Guidelines, 2015. Collection method: clinical testing. Allele origin: germline. Affected: yes. Observed: 1 variant allele.
Comment: The c.777C>A;p.(Ser259Arg) missense change has been observed in affected individual(s) and ClinVar contains an entry for this variant (Clinvar ID: 68673; PMID: 20431604; 30735520) - PS4.Well-established in vitro or in vivo functional studies supportive of a damaging effect on the gene or gene product (PMID: 30735520) - PS3_supporting. This variant is not present in population databases:rs121918735 , gnomAD; ABraOM no frequency) - PM2. The variant was assumed de novo, but without confirmation of paternity and maternity (PMID: 20431604; 30735520)PM6. In summary, the currently available evidence indicates that the variant is Likely Pathogenic

Center for Bioinformatics, Peking University
Classification: Pathogenic for Dravet syndrome. Last evaluated: 2014-12-20. Review status: criteria provided, single submitter. Criteria: Xu et al. (Hum Mutat. 2015). Collection method: research. Allele origin: de novo. Affected: yes. Observed: 1 variant allele. Study: University Clinical Cooperation “985 Project” PKU-2014-1-1.
Comment: Dravet syndrome (DS) probands were recruited from the outpatient and inpatient child neurology units of Peking University First Hospital from 2005 till present. The study was approved by the Ethics Committee of Peking University First Hospital and the Institutional Review Board at Peking University. Participants or their parents provided written informed consent before enrollment. We collected a total of 267 mutations from 255 families with probands diagnosed with DS in China. All probands fulfilled the clinical diagnostic criteria.

Clinical Molecular Genetics Laboratory, Johns Hopkins All Children's Hospital
Classification: Pathogenic for seizures. Last evaluated: 2017-08-14. Review status: no assertion criteria provided. Collection method: clinical testing. Allele origin: germline. Affected: yes. Not counted in ClinVar's aggregate classification.

UniProtKB/Swiss-Prot
No classification provided. Condition: Severe myoclonic epilepsy in infancy. Review status: no classification provided. Collection method: not provided. Allele origin: germline. Not counted in ClinVar's aggregate classification.

Genomic Medicine Center of Excellence, King Faisal Specialist Hospital and Research Centre
Classification: Uncertain significance for Severe myoclonic epilepsy in infancy. Last evaluated: 2025-09-10. Review status: flagged submission. Criteria: ACMG Guidelines, 2015. Collection method: clinical testing. Allele origin: germline. Not counted in ClinVar's aggregate classification.
ClinVar note: Reason: Outlier claim with insufficient supporting evidence

Literature cited by the submitters: PubMed 30735520 (cited by Dasa); PubMed 20431604 (cited by Dasa).